The following is an entry in ClinVar:

NM_001080449.3(DNA2):c.32T>A (p.Met11Lys)

Gene: DNA2 (DNA replication helicase/nuclease 2; minus strand). Cytogenetic location: 10q21.3.
Variant type: single nucleotide variant.
Coding change: c.32T>A on transcript NM_001080449.3 (MANE Select); coding-DNA position 32, T replaced by A.
Protein change: p.Met11Lys; replaces methionine 11 with lysine.
Molecular consequence: missense variant. On other transcripts: non-coding transcript variant (1).
Genome position (GRCh38, 1-based): chr10:68,471,833, A>T on the plus strand (T>A on the coding strand, the complement: DNA2 is on the minus strand). VCF-style: chr10-68471833-A-T. GRCh37 (hg19) VCF-style: chr10-70231590-A-T.
Other names: short protein forms M11K.
Identifiers: ClinVar variation 1380747 (VCV001380747.6), dbSNP rs1564901044, ClinGen allele CA376833896.
Genomic context (GRCh38, chr10:68,471,833, plus strand): 5'-TCCCCCCTCTCCGCTCACAGCTCCGCCGGCAGCTCCGCCTCCTCCCAAAAACTCTTCTCC[A>T]TCAGCAGCTCCAGTTCGTTCAGCTGCTCCATCCTGGACGCGGGGATCGCAAACTGTAGAC-3'
Protein context (NP_001073918.2, residues 1-21): MEQLNELELL[Met11Lys]EKSFWEEAEL

ClinVar aggregate classification (germline): Uncertain significance (1 of 4 stars; one submission).

Allele frequency attached by ClinVar (database versions not stated): gnomAD exomes below 0.00001.

Submission:

Labcorp Genetics (formerly Invitae), Labcorp
Classification: Uncertain significance. Last evaluated: 2021-10-15. Review status: criteria provided, single submitter. Criteria: Invitae Variant Classification Sherloc (09022015). Collection method: clinical testing. Allele origin: germline.
Comment: This sequence change replaces methionine with lysine at codon 11 of the DNA2 protein (p.Met11Lys). The methionine residue is weakly conserved and there is a moderate physicochemical difference between methionine and lysine. This variant is not present in population databases (ExAC no frequency). This variant has not been reported in the literature in individuals affected with DNA2-related conditions. Algorithms developed to predict the effect of missense changes on protein structure and function are either unavailable or do not agree on the potential impact of this missense change (SIFT: "Tolerated"; PolyPhen-2: "Not Available"; Align-GVGD: "Class C0"). In summary, the available evidence is currently insufficient to determine the role of this variant in disease. Therefore, it has been classified as a Variant of Uncertain Significance.